The following is an entry in ClinVar:

NM_133433.4(NIPBL):c.3501G>A (p.Glu1167=)

Gene: NIPBL (NIPBL cohesin loading factor; plus strand). Cytogenetic location: 5p13.2.
Variant type: single nucleotide variant.
Coding change: c.3501G>A on transcript NM_133433.4 (MANE Select); coding-DNA position 3501, G replaced by A.
Protein change: p.Glu1167=; no amino-acid change (glutamic acid 1167 retained).
Molecular consequence: synonymous variant.
Genome position (GRCh38, 1-based): chr5:37,000,569, G>A. VCF-style: chr5-37000569-G-A. GRCh37 (hg19) VCF-style: chr5-37000671-G-A.
Other names: c.3501G>A, p.Glu1167= (NM_001438586.1, NM_015384.5).
Identifiers: ClinVar variation 4810293 (VCV004810293.1).

ClinVar aggregate classification (germline): Uncertain significance (1 of 4 stars; one submission).

Conditions:
Cornelia de Lange syndrome 1 (CDLS1). Also called: Brachmann de Lange syndrome; NIPBL-Related Cornelia de Lange Syndrome; TYPUS DEGENERATIVUS AMSTELODAMENSIS. Identifiers: Orphanet 199, MedGen C4551851, MONDO:0007387, OMIM 122470.

Submission:

Labcorp Genetics (formerly Invitae), Labcorp
Classification: Uncertain significance for Cornelia de Lange syndrome 1. Last evaluated: 2025-07-30. Review status: criteria provided, single submitter. Criteria: Invitae Variant Classification Sherloc (09022015). Collection method: clinical testing. Allele origin: germline.
Comment: This sequence change affects codon 1167 of the NIPBL mRNA. It is a 'silent' change, meaning that it does not change the encoded amino acid sequence of the NIPBL protein. It affects a nucleotide within the consensus splice site. This variant is not present in population databases (gnomAD no frequency). This variant has not been reported in the literature in individuals affected with NIPBL-related conditions. Algorithms developed to predict the effect of sequence changes on RNA splicing suggest that this variant is not likely to affect RNA splicing. In summary, the available evidence is currently insufficient to determine the role of this variant in disease. Therefore, it has been classified as a Variant of Uncertain Significance.